The following is an entry in ClinVar:

NM_004360.5(CDH1):c.86A>G (p.His29Arg)

Gene: CDH1 (cadherin 1; plus strand). Cytogenetic location: 16q22.1.
Variant type: single nucleotide variant.
Coding change: c.86A>G on transcript NM_004360.5 (MANE Select); coding-DNA position 86, A replaced by G.
Protein change: p.His29Arg; replaces histidine 29 with arginine.
Molecular consequence: missense variant. On other transcripts: 5 prime UTR variant (2).
Genome position (GRCh38, 1-based): chr16:68,738,334, A>G. VCF-style: chr16-68738334-A-G. GRCh37 (hg19) VCF-style: chr16-68772237-A-G.
Other names: c.86A>G, p.His29Arg (NM_001317184.2); c.-1530A>G (NM_001317185.2); c.-1734A>G (NM_001317186.2); c.86A>G (LRG_301t1); short protein forms H29R.
Identifiers: ClinVar variation 532480 (VCV000532480.18), dbSNP rs1555509761, ClinGen allele CA396451840.

ClinVar aggregate classification (germline): Conflicting classifications of pathogenicity. Review status: criteria provided, conflicting classifications (1 of 4 stars). 3 submissions from 3 submitters: Uncertain significance (2); Likely benign (1). Last evaluated 2026-05-11.

Conditions:
Hereditary cancer-predisposing syndrome. Also called: Tumor predisposition; Hereditary neoplastic syndrome; Neoplastic Syndromes, Hereditary; Hereditary Cancer Syndrome. Identifiers: Orphanet 140162, MedGen C0027672, MeSH D009386, MONDO:0015356.
Hereditary diffuse gastric adenocarcinoma (HDGC). Also called: DIFFUSE GASTRIC AND LOBULAR BREAST CANCER SYNDROME. Identifiers: Orphanet 26106, MedGen C1708349, MONDO:0007648, OMIM 137215.

Allele frequency attached by ClinVar (database versions not stated): gnomAD exomes below 0.00001.
gnomAD v4.1: 1 of 1,550,294 alleles (0.000065%); highest among the groups gnomAD compares: South Asian, 0.0012%; no homozygotes.

Submissions (3):

Ambry Genetics
Classification: Likely benign for Hereditary cancer-predisposing syndrome. Last evaluated: 2026-05-11. Review status: criteria provided, single submitter. Criteria: Ambry Variant Classification Scheme 2023. Collection method: clinical testing. Allele origin: germline.

Labcorp Genetics (formerly Invitae), Labcorp
Classification: Uncertain significance for Hereditary diffuse gastric adenocarcinoma. Last evaluated: 2024-08-05. Review status: criteria provided, single submitter. Criteria: Invitae Variant Classification Sherloc (09022015). Collection method: clinical testing. Allele origin: germline.
Comment: This sequence change replaces histidine, which is basic and polar, with arginine, which is basic and polar, at codon 29 of the CDH1 protein (p.His29Arg). This variant is not present in population databases (gnomAD no frequency). This variant has not been reported in the literature in individuals affected with CDH1-related conditions. ClinVar contains an entry for this variant (Variation ID: 532480). An algorithm developed to predict the effect of missense changes on protein structure and function outputs the following: PolyPhen-2: "Benign". The arginine amino acid residue is found in multiple mammalian species, which suggests that this missense change does not adversely affect protein function. In summary, the available evidence is currently insufficient to determine the role of this variant in disease. Therefore, it has been classified as a Variant of Uncertain Significance.

Color Diagnostics, LLC DBA Color Health
Classification: Uncertain significance for Hereditary cancer-predisposing syndrome. Last evaluated: 2023-12-04. Review status: criteria provided, single submitter. Criteria: ACMG Guidelines, 2015. Collection method: clinical testing. Allele origin: germline.
Comment: This missense variant replaces histidine with arginine at codon 29 of the CDH1 protein. To our knowledge, functional studies have not been reported for this variant. This variant has not been reported in individuals affected with CDH1-related disorders in the literature. This variant has not been identified in the general population by the Genome Aggregation Database (gnomAD). The available evidence is insufficient to determine the role of this variant in disease conclusively. Therefore, this variant is classified as a Variant of Uncertain Significance.